The following is an entry in ClinVar:

ClinVar aggregate classification (germline): Uncertain significance (1 of 4 stars; one submission).

Conditions:
Inborn genetic diseases. Identifiers: MedGen C0950123, MeSH D030342.

Submission:

Ambry Genetics
Classification: Uncertain significance for Inborn genetic diseases. Last evaluated: 2025-06-24. Review status: criteria provided, single submitter. Criteria: Ambry Variant Classification Scheme 2023. Collection method: clinical testing. Allele origin: germline.
Comment: The p.E8A variant (also known as c.23A>C), located in coding exon 1 of the RUNX1 gene, results from an A to C substitution at nucleotide position 23. The glutamic acid at codon 8 is replaced by alanine, an amino acid with dissimilar properties. This amino acid position is well conserved in available vertebrate species. In addition, the in silico prediction for this alteration is inconclusive. Based on the available evidence, the clinical significance of this variant remains unclear.

NM_001754.5(RUNX1):c.23A>C (p.Glu8Ala)

Gene: RUNX1 (RUNX family transcription factor 1; minus strand). Cytogenetic location: 21q22.12.
Variant type: single nucleotide variant.
Coding change: c.23A>C on transcript NM_001754.5 (MANE Select); coding-DNA position 23, A replaced by C.
Protein change: p.Glu8Ala; replaces glutamic acid 8 with alanine.
Molecular consequence: missense variant.
Genome position (GRCh38, 1-based): chr21:35,048,877, T>G on the plus strand (A>C on the coding strand, the complement: RUNX1 is on the minus strand). VCF-style: chr21-35048877-T-G. GRCh37 (hg19) VCF-style: chr21-36421174-T-G.
Other names: short protein forms E8A.
Identifiers: ClinVar variation 4158172 (VCV004158172.1).